The following is an entry in ClinVar:

NM_032383.5(HPS3):c.1745dup (p.Leu582fs)

Gene: HPS3 (HPS3 biogenesis of lysosomal organelles complex 2 subunit 1; plus strand). Cytogenetic location: 3q24.
Variant type: Duplication.
Coding change: c.1745dup on transcript NM_032383.5 (MANE Select); coding-DNA position 1745, one base duplicated (T; older notation c.1745dupT).
Protein change: p.Leu582fs; shifts the reading frame from leucine 582.
Molecular consequence: frameshift variant.
Genome position (GRCh38, 1-based): chr3:149,158,719, T duplicated; the last of 3 consecutive T bases (chr3:149,158,717-149,158,719); duplicating any one gives the same sequence. VCF-style (leftmost placement, unchanged base first): chr3-149158716-G-GT. GRCh37 (hg19) VCF-style: chr3-148876503-G-GT.
Other names: c.1250dup, p.Leu417fs (NM_001308258.2); short protein forms L417fs, L582fs.
Identifiers: ClinVar variation 4069466 (VCV004069466.2).

ClinVar aggregate classification (germline): Likely pathogenic (1 of 4 stars; one submission).

Conditions:
Hermansky-Pudlak syndrome (HPS). Also called: ALBINISM WITH HEMORRHAGIC DIATHESIS AND PIGMENTED RETICULOENDOTHELIAL CELLS. Identifiers: Orphanet 79430, MedGen C0079504, MONDO:0019312.

Submission:

Natera, Inc.
Classification: Likely pathogenic for Hermansky-Pudlak syndrome. Last evaluated: 2025-04-02. Review status: criteria provided, single submitter. Criteria: Natera Variant Classification Schema (03/2026). Collection method: clinical testing. Allele origin: germline.
Comment: The c.1745dup variant in HPS3 is a frameshift variant predicted to shift the reading frame beginning at codon 582 and leads to a stop codon 5 codons downstream. This variant is expected to result in nonsense mediated decay, truncation, or a dysfunctional protein product. This variant is rare in the general population with a frequency below the threshold expected for the associated phenotype(s). Given the available evidence, this variant is classified as Likely Pathogenic.